The following is an entry in ClinVar:

ClinVar aggregate classification (germline): Uncertain significance (1 of 4 stars; one submission).

gnomAD v4.1: 3 of 1,612,874 alleles (0.00019%); highest among the groups gnomAD compares: Non-Finnish European, 0.00025%; no homozygotes.

Submission:

Labcorp Genetics (formerly Invitae), Labcorp
Classification: Uncertain significance. Last evaluated: 2026-01-22. Review status: criteria provided, single submitter. Criteria: Invitae Variant Classification Sherloc (09022015). Collection method: clinical testing. Allele origin: germline.
Comment: This sequence change replaces methionine, which is neutral and non-polar, with valine, which is neutral and non-polar, at codon 991 of the JAK1 protein (p.Met991Val). This variant is not present in population databases (gnomAD no frequency). This variant has not been reported in the literature in individuals affected with JAK1-related conditions. Invitae Evidence Modeling of protein sequence and biophysical properties (such as structural, functional, and spatial information, amino acid conservation, physicochemical variation, residue mobility, and thermodynamic stability) indicates that this missense variant is expected to disrupt JAK1 protein function with a positive predictive value of 80%. In summary, the available evidence is currently insufficient to determine the role of this variant in disease. Therefore, it has been classified as a Variant of Uncertain Significance.

NM_002227.4(JAK1):c.2971A>G (p.Met991Val)

Gene: JAK1 (Janus kinase 1; minus strand). Cytogenetic location: 1p31.3.
Variant type: single nucleotide variant.
Coding change: c.2971A>G on transcript NM_002227.4 (MANE Select); coding-DNA position 2971, A replaced by G.
Protein change: p.Met991Val; replaces methionine 991 with valine.
Molecular consequence: missense variant.
Genome position (GRCh38, 1-based): chr1:64,838,101, T>C on the plus strand (A>G on the coding strand, the complement: JAK1 is on the minus strand). VCF-style: chr1-64838101-T-C. GRCh37 (hg19) VCF-style: chr1-65303784-T-C.
Other names: c.2971A>G, p.Met991Val (NM_001320923.2, NM_001321852.2, NM_001321853.2 and 3 more transcripts); c.2968A>G, p.Met990Val (NM_001321857.2); short protein forms M991V, M990V.
Identifiers: ClinVar variation 4776149 (VCV004776149.1).